The following is an entry in ClinVar:

ClinVar aggregate classification (germline): Uncertain significance. Review status: criteria provided, multiple submitters, no conflicts (2 of 4 stars). 2 submissions from 2 submitters: Uncertain significance (2). Last evaluated 2025-08-31.

Conditions:
Pulmonary fibrosis and/or bone marrow failure, Telomere-related, 3. Also called: PULMONARY FIBROSIS AND/OR BONE MARROW FAILURE SYNDROME, TELOMERE-RELATED, 3. Identifiers: Orphanet 2032, MedGen C4225346, MONDO:0014613, OMIM 616373.
Dyskeratosis congenita, autosomal recessive 5 (DKCB5). Identifiers: MedGen C3554656, MONDO:0014076, OMIM 615190.
Inborn genetic diseases. Identifiers: MedGen C0950123, MeSH D030342.

Allele frequency attached by ClinVar (database versions not stated): TOPMed below 0.00001; gnomAD 0.00001.

Submissions (2):

Ambry Genetics
Classification: Uncertain significance for Inborn genetic diseases. Last evaluated: 2025-08-31. Review status: criteria provided, single submitter. Criteria: Ambry Variant Classification Scheme 2023. Collection method: clinical testing. Allele origin: germline.
Comment: The p.M1292R variant (also known as c.3875T>G), located in coding exon 34 of the RTEL1 gene, results from a T to G substitution at nucleotide position 3875. The methionine at codon 1292 is replaced by arginine, an amino acid with similar properties. This amino acid position is conserved. In addition, this alteration is predicted to be tolerated by in silico analysis. Based on the available evidence, the clinical significance of this variant remains unclear.

Labcorp Genetics (formerly Invitae), Labcorp
Classification: Uncertain significance for Dyskeratosis congenita, autosomal recessive 5; Pulmonary fibrosis and/or bone marrow failure, Telomere-related, 3. Last evaluated: 2022-09-05. Review status: criteria provided, single submitter. Criteria: Invitae Variant Classification Sherloc (09022015). Collection method: clinical testing. Allele origin: germline.
Comment: This sequence change replaces methionine, which is neutral and non-polar, with arginine, which is basic and polar, at codon 1292 of the RTEL1 protein (p.Met1292Arg). This variant is not present in population databases (gnomAD no frequency). This variant has not been reported in the literature in individuals affected with RTEL1-related conditions. ClinVar contains an entry for this variant (Variation ID: 1382909). Algorithms developed to predict the effect of missense changes on protein structure and function (SIFT, PolyPhen-2, Align-GVGD) all suggest that this variant is likely to be tolerated. In summary, the available evidence is currently insufficient to determine the role of this variant in disease. Therefore, it has been classified as a Variant of Uncertain Significance.

NM_001283009.2(RTEL1):c.3875T>G (p.Met1292Arg)

Genes: RTEL1 (regulator of telomere elongation helicase 1; plus strand), RTEL1-TNFRSF6B (RTEL1-TNFRSF6B readthrough (NMD candidate); plus strand). Cytogenetic location: 20q13.33.
Variant type: single nucleotide variant.
Coding change: c.3875T>G on transcript NM_001283009.2 (MANE Select); coding-DNA position 3875, T replaced by G.
Protein change: p.Met1292Arg; replaces methionine 1292 with arginine.
Molecular consequence: missense variant. On other transcripts: non-coding transcript variant (1), 3 prime UTR variant (3).
Genome position (GRCh38, 1-based): chr20:63,695,830, T>G. VCF-style: chr20-63695830-T-G. GRCh37 (hg19) VCF-style: chr20-62327183-T-G.
Other names: c.*45T>G (NM_001283010.1, NM_016434.4, NM_032957.5); short protein forms M1292R.
Identifiers: ClinVar variation 1382909 (VCV001382909.6), dbSNP rs2090967240, ClinGen allele CA409710518.
Genomic context (GRCh38, chr20:63,695,830, plus strand): 5'-TCTCACAGGCCTCTAGGATGTGCCCAGCCTGCCACACCGCCTCCAGGAAGCAGAGCGTCA[T>G]GCAGGTCTTCTGGCCAGAGCCCCAGTGAGTGCCCACGGAGGCCCCCAGCACACCCAACGT-3'
Protein context (NP_001269938.1, residues 1282-1300): CHTASRKQSV[Met1292Arg]QVFWPEPQ